The following is an entry in ClinVar:

NM_133171.5(ELMO2):c.311dup (p.Met104fs)

Gene: ELMO2 (engulfment and cell motility 2; minus strand). Cytogenetic location: 20q13.12.
Variant type: Duplication.
Coding change: c.311dup on transcript NM_133171.5 (MANE Select); coding-DNA position 311, one base duplicated (T; older notation c.311dupT).
Protein change: p.Met104fs; shifts the reading frame from methionine 104.
Molecular consequence: frameshift variant.
Genome position (GRCh38, 1-based): chr20:46,389,153, A duplicated on the plus strand (T on the coding strand, the reverse complement: ELMO2 is on the minus strand). VCF-style (leftmost placement, unchanged base first): chr20-46389152-C-CA. GRCh37 (hg19) VCF-style: chr20-45017791-C-CA.
Other names: c.47dup, p.Met16fs (NM_001318253.2); c.311dup, p.Met104fs (NM_182764.3); short protein forms M104fs, M16fs.
Identifiers: ClinVar variation 1687388 (VCV001687388.1), dbSNP rs2145827538, ClinGen allele CA2573157127.
Genomic context (GRCh38, chr20:46,389,152, plus strand): 5'-ATCCATGTTGATGAACTCAGTAGCGAAAGTCACGTCGGCAGAGAGCTTGGCCAGCTCCTT[C>CA]ATGGCATCCAGCCGGGTCTCCATGTTGGATGACTGGGTCCTCTCCATCAGCTGGCGTGCA-3'

ClinVar aggregate classification (germline): Pathogenic (1 of 4 stars; one submission).

Conditions:
Primary intraosseous venous malformation. Also called: VASCULAR MALFORMATION OSSEOUS; Vascular malformation, primary intraosseous; HEMANGIOMA, INTRAOSSEOUS. Identifiers: Orphanet 140436, MedGen C1847197, MONDO:0011744, OMIM 606893.

Submission:

3billion
Classification: Pathogenic for Primary intraosseous venous malformation. Last evaluated: 2022-05-22. Review status: criteria provided, single submitter. Criteria: ACMG Guidelines, 2015. Collection method: clinical testing. Allele origin: germline. Affected: yes. Observed: 1 homozygote.
Comment: The variant is not observed in the gnomAD v2.1.1 dataset. Frameshift: predicted to result in a loss or disruption of normal protein function through nonsense-mediated decay (NMD) or protein truncation. Multiple pathogenic variants are reported downstream of the variant. Therefore, this variant is classified as likely pathogenic according to the recommendation of ACMG/AMP guideline.